The following is an entry in ClinVar:

ClinVar aggregate classification (germline): Uncertain significance. Review status: criteria provided, multiple submitters, no conflicts (2 of 4 stars). 3 submissions from 3 submitters: Uncertain significance (2). 1 of the submissions does not count toward it. Last evaluated 2022-01-21.

Conditions:
ALG6-congenital disorder of glycosylation 1C (CDG1C). Also called: CDG Ic; Congenital disorder of glycosylation, type Ic; CARBOHYDRATE-DEFICIENT GLYCOPROTEIN SYNDROME, TYPE I, WITH DEFICIENT GLYCOSYLATION OF DOLICHOL-LINKED OLIGOSACCHARIDE; CARBOHYDRATE-DEFICIENT GLYCOPROTEIN SYNDROME, TYPE V; Congenital disorder of glycosylation type 1C. Identifiers: Orphanet 79320, MedGen C2930997, MONDO:0011291, OMIM 603147.

Allele frequency attached by ClinVar (database versions not stated): gnomAD 0.00001; TOPMed 0.00001; gnomAD exomes 0.00005; ESP Exome Variant Server 0.00008.
gnomAD v4.1: 69 of 1,612,942 alleles (0.0043%); highest among the groups gnomAD compares: Non-Finnish European, 0.0058%; no homozygotes.

Submissions (3):

Labcorp Genetics (formerly Invitae), Labcorp
Classification: Uncertain significance for ALG6-congenital disorder of glycosylation 1C. Last evaluated: 2022-01-21. Review status: criteria provided, single submitter. Criteria: Invitae Variant Classification Sherloc (09022015). Collection method: clinical testing. Allele origin: germline.
Comment: This sequence change replaces proline, which is neutral and non-polar, with serine, which is neutral and polar, at codon 379 of the ALG6 protein (p.Pro379Ser). This variant is present in population databases (rs150976885, gnomAD 0.007%). This variant has not been reported in the literature in individuals affected with ALG6-related conditions. ClinVar contains an entry for this variant (Variation ID: 128350). Algorithms developed to predict the effect of missense changes on protein structure and function are either unavailable or do not agree on the potential impact of this missense change (SIFT: "Tolerated"; PolyPhen-2: "Probably Damaging"; Align-GVGD: "Class C0"). In summary, the available evidence is currently insufficient to determine the role of this variant in disease. Therefore, it has been classified as a Variant of Uncertain Significance.

Genetic Services Laboratory, University of Chicago
Classification: Uncertain significance. Last evaluated: 2014-03-20. Review status: criteria provided, single submitter. Criteria: ACMG Guidelines, 2007. Collection method: clinical testing. Allele origin: germline. Inheritance: Autosomal recessive inheritance.

Counsyl
Classification: Uncertain significance for ALG6-congenital disorder of glycosylation 1C. Last evaluated: 2017-05-23. Review status: no assertion criteria provided. Collection method: clinical testing. Allele origin: unknown. Not counted in ClinVar's aggregate classification.

NM_013339.4(ALG6):c.1135C>T (p.Pro379Ser)

Gene: ALG6 (ALG6 alpha-1,3-glucosyltransferase; plus strand). Cytogenetic location: 1p31.3.
Variant type: single nucleotide variant.
Coding change: c.1135C>T on transcript NM_013339.4 (MANE Select); coding-DNA position 1135, C replaced by T.
Protein change: p.Pro379Ser; replaces proline 379 with serine.
Molecular consequence: missense variant.
Genome position (GRCh38, 1-based): chr1:63,428,935, C>T. VCF-style: chr1-63428935-C-T. GRCh37 (hg19) VCF-style: chr1-63894606-C-T.
Other names: c.1135C>T, p.Pro379Ser (LRG_1260t1); short protein forms P379S.
Identifiers: ClinVar variation 128350 (VCV000128350.8), dbSNP rs150976885, ClinGen allele CA230872.